The following is an entry in ClinVar:

ClinVar aggregate classification (germline): Uncertain significance (1 of 4 stars; one submission).

gnomAD v4.1: 9 of 1,612,592 alleles (0.00056%); highest among the groups gnomAD compares: Admixed American, 0.0017%; no homozygotes.

Submission:

Labcorp Genetics (formerly Invitae), Labcorp
Classification: Uncertain significance. Last evaluated: 2025-02-14. Review status: criteria provided, single submitter. Criteria: Invitae Variant Classification Sherloc (09022015). Collection method: clinical testing. Allele origin: germline.
Comment: This sequence change replaces tyrosine, which is neutral and polar, with cysteine, which is neutral and slightly polar, at codon 31 of the LYRM4 protein (p.Tyr31Cys). This variant is present in population databases (no rsID available, gnomAD 0.007%). This missense change has been observed in individual(s) with clinical features of LYRM4-related conditions (PMID: 38465286). An algorithm developed to predict the effect of missense changes on protein structure and function (PolyPhen-2) suggests that this variant is likely to be disruptive. In summary, the available evidence is currently insufficient to determine the role of this variant in disease. Therefore, it has been classified as a Variant of Uncertain Significance.

Literature cited by the submitters: PubMed 38465286.

NM_020408.6(LYRM4):c.92A>G (p.Tyr31Cys)

Genes: LYRM4 (LYR motif containing 4; minus strand), LYRM4-AS1 (LYRM4 antisense RNA 1; plus strand). Cytogenetic location: 6p25.1.
Variant type: single nucleotide variant.
Coding change: c.92A>G on transcript NM_020408.6 (MANE Select); coding-DNA position 92, A replaced by G.
Protein change: p.Tyr31Cys; replaces tyrosine 31 with cysteine.
Molecular consequence: missense variant. On other transcripts: non-coding transcript variant (2).
Genome position (GRCh38, 1-based): chr6:5,216,733, T>C on the plus strand (A>G on the coding strand, the complement: LYRM4 is on the minus strand). VCF-style: chr6-5216733-T-C. GRCh37 (hg19) VCF-style: chr6-5216966-T-C.
Other names: c.92A>G, p.Tyr31Cys (NM_001164840.3, NM_001164841.3, NM_001318782.1 and 1 more transcripts); short protein forms Y31C.
Identifiers: ClinVar variation 4748972 (VCV004748972.1).